The following is an entry in ClinVar:

NC_000014.8:g.(?_23861751)_(23888838_?)del

Genes: MYH6 (myosin heavy chain 6; minus strand), MIR208B (microRNA 208b; minus strand), MYH7 (myosin heavy chain 7; minus strand). Cytogenetic location: 14q11.2.
Variant type: Deletion.
Identifiers: ClinVar variation 2422697 (VCV002422697.3).

ClinVar aggregate classification (germline): Uncertain significance. Review status: criteria provided, single submitter (1 of 4 stars). 2 submissions from 1 submitter: Uncertain significance (2). Last evaluated 2022-07-19.

Conditions:
Hypertrophic cardiomyopathy. Also called: HYPERTROPHIC MYOCARDIOPATHY. Identifiers: Orphanet 217569, MedGen C0007194, MeSH D002312, MONDO:0005045, HP:0001639.
Hypertrophic cardiomyopathy 14. Identifiers: MedGen C2750467, MONDO:0013197, OMIM 613251.

Submissions (2):

Labcorp Genetics (formerly Invitae), Labcorp
Classification: Uncertain significance for Hypertrophic cardiomyopathy. Last evaluated: 2022-07-19. Review status: criteria provided, single submitter. Criteria: Invitae Variant Classification Sherloc (09022015). Collection method: clinical testing. Allele origin: germline.
Comment: This variant is a gross deletion of the genomic region encompassing exon(s) 28-40 of the MYH7 gene, which includes the termination codon. This deletion extends beyond the assayed region for this gene and therefore may encompass additional genes. While this deletion is not anticipated to lead to nonsense mediated decay, it is expected to alter mRNA translation or result in a truncated protein product. This variant has not been reported in the literature in individuals affected with MYH7-related conditions. Experimental studies and prediction algorithms are not available or were not evaluated, and the functional significance of this variant is currently unknown. In summary, the available evidence is currently insufficient to determine the role of this variant in disease. Therefore, it has been classified as a Variant of Uncertain Significance.

Labcorp Genetics (formerly Invitae), Labcorp
Classification: Uncertain significance for Hypertrophic cardiomyopathy 14. Last evaluated: 2022-05-18. Review status: criteria provided, single submitter. Criteria: Invitae Variant Classification Sherloc (09022015). Collection method: clinical testing. Allele origin: germline.
Comment: This variant is a gross deletion of the genomic region encompassing exon(s) 1-25 of the MYH6 gene, which includes the initiator codon. This deletion extends beyond the assayed region for this gene and therefore may encompass additional genes. It is expected to result in an absent or disrupted protein product. However, the current clinical and genetic evidence is not sufficient to establish whether loss-of-function variants in MYH6 cause disease. This variant has not been reported in the literature in individuals affected with MYH6-related conditions. Experimental studies and prediction algorithms are not available or were not evaluated, and the functional significance of this variant is currently unknown. In summary, the available evidence is currently insufficient to determine the role of this variant in disease. Therefore, it has been classified as a Variant of Uncertain Significance.